The following is an entry in ClinVar:

NM_001367624.2(ZNF469):c.7524G>A (p.Ala2508=)

Gene: ZNF469 (zinc finger protein 469; plus strand). Cytogenetic location: 16q24.2.
Variant type: single nucleotide variant.
Coding change: c.7524G>A on transcript NM_001367624.2 (MANE Select); coding-DNA position 7524, G replaced by A.
Protein change: p.Ala2508=; no amino-acid change (alanine 2508 retained).
Molecular consequence: synonymous variant.
Genome position (GRCh38, 1-based): chr16:88,434,994, G>A. VCF-style: chr16-88434994-G-A. GRCh37 (hg19) VCF-style: chr16-88501402-G-A.
Other names: NM_001127464.1:c.7440G>A; p.Ala2508=.
Identifiers: ClinVar variation 1758935 (VCV001758935.6), dbSNP rs559000174, ClinGen allele CA286382840.

ClinVar aggregate classification (germline): Likely benign. Review status: criteria provided, multiple submitters, no conflicts (2 of 4 stars). 3 submissions from 3 submitters: Likely benign (3). Last evaluated 2025-12-10.

Conditions:
Cardiovascular phenotype. Identifiers: MedGen CN230736.

Allele frequency attached by ClinVar (database versions not stated): gnomAD 0.00002.
gnomAD v4.1: 22 of 1,550,132 alleles (0.0014%); highest among the groups gnomAD compares: Admixed American, 0.0059%; no homozygotes.

Submissions (3):

Mayo Clinic Laboratories, Mayo Clinic
Classification: Likely benign. Last evaluated: 2025-12-10. Review status: criteria provided, single submitter. Criteria: ACMG Guidelines, 2015. Collection method: clinical testing. Allele origin: germline. Observed: 1 variant allele.
Comment: BP4, BP7, PM2_supporting

Labcorp Genetics (formerly Invitae), Labcorp
Classification: Likely benign. Last evaluated: 2023-11-22. Review status: criteria provided, single submitter. Criteria: Invitae Variant Classification Sherloc (09022015). Collection method: clinical testing. Allele origin: germline.

Ambry Genetics
Classification: Likely benign for Cardiovascular phenotype. Last evaluated: 2020-08-12. Review status: criteria provided, single submitter. Criteria: Ambry Variant Classification Scheme 2023. Collection method: clinical testing. Allele origin: germline.